The following is an entry in ClinVar:

NM_001370.2(DNAH6):c.8545A>G (p.Ile2849Val)

Gene: DNAH6 (dynein axonemal heavy chain 6; plus strand). Cytogenetic location: 2p11.2.
Variant type: single nucleotide variant.
Coding change: c.8545A>G on transcript NM_001370.2 (MANE Select); coding-DNA position 8545, A replaced by G.
Protein change: p.Ile2849Val; replaces isoleucine 2849 with valine.
Molecular consequence: missense variant.
Genome position (GRCh38, 1-based): chr2:84,705,565, A>G. VCF-style: chr2-84705565-A-G. GRCh37 (hg19) VCF-style: chr2-84932689-A-G.
Other names: short protein forms I2849V.
Identifiers: ClinVar variation 2361273 (VCV002361273.3), dbSNP rs141919655, ClinGen allele CA52282072.

ClinVar aggregate classification (germline): Conflicting classifications of pathogenicity. Review status: criteria provided, conflicting classifications (1 of 4 stars). 2 submissions from 2 submitters: Uncertain significance (1); Likely benign (1). Last evaluated 2026-06-30.

Conditions:
DNAH6-related disorder. Also called: DNAH6-related condition.

Allele frequency attached by ClinVar (database versions not stated): gnomAD 0.00004; TOPMed 0.00010; 1000 Genomes Project 30x 0.00016; 1000 Genomes Project 0.00020.
gnomAD v4.1: 56 of 1,551,690 alleles (0.0036%); highest among the groups gnomAD compares: Admixed American, 0.11%; 1 homozygote.

Submissions (2):

PreventionGenetics, part of Exact Sciences
Classification: Likely benign for DNAH6-related condition. Last evaluated: 2026-06-30. Review status: criteria provided, single submitter. Criteria: ACMG Guidelines, 2015. Collection method: clinical testing. Allele origin: germline.
Comment: This variant is classified as likely benign based on ACMG/AMP sequence variant interpretation guidelines (Richards et al. 2015 PMID: 25741868, with internal and published modifications).

Ambry Genetics
Classification: Uncertain significance. Last evaluated: 2022-10-04. Review status: criteria provided, single submitter. Criteria: Ambry Variant Classification Scheme 2023. Collection method: clinical testing. Allele origin: germline.